The following is an entry in ClinVar:

ClinVar aggregate classification (germline): Pathogenic (1 of 4 stars; one submission).

Submission:

Labcorp Genetics (formerly Invitae), Labcorp
Classification: Pathogenic. Last evaluated: 2025-08-15. Review status: criteria provided, single submitter. Criteria: Invitae Variant Classification Sherloc (09022015). Collection method: clinical testing. Allele origin: germline.
Comment: This sequence change creates a premature translational stop signal (p.Gln226Serfs*26) in the FERMT1 gene. It is expected to result in an absent or disrupted protein product. Loss-of-function variants in FERMT1 are known to be pathogenic (PMID: 14962093, 21936020). This variant is present in population databases (rs758685864, gnomAD 0.02%). This premature translational stop signal has been observed in individual(s) with Kindler syndrome (PMID: 26083552). ClinVar contains an entry for this variant (Variation ID: 2419176). For these reasons, this variant has been classified as Pathogenic.

Literature cited by the submitters: PubMed 14962093; PubMed 21936020; PubMed 26083552.

NM_017671.5(FERMT1):c.676del (p.Gln226fs)

Gene: FERMT1 (FERM domain containing kindlin 1; minus strand). Cytogenetic location: 20p12.3.
Variant type: Deletion.
Coding change: c.676del on transcript NM_017671.5 (MANE Select); coding-DNA position 676, one base deleted (C; older notation c.676delC).
Protein change: p.Gln226fs; shifts the reading frame from glutamine 226.
Molecular consequence: frameshift variant.
Genome position (GRCh38, 1-based): chr20:6,110,368, G deleted on the plus strand (C on the coding strand, the reverse complement: FERMT1 is on the minus strand); the first of 7 consecutive G bases (chr20:6,110,368-6,110,374); deleting any one gives the same sequence. VCF-style (leftmost placement, unchanged base first): chr20-6110367-TG-T. GRCh37 (hg19) VCF-style: chr20-6091014-TG-T.
Other names: short protein forms Q226fs.
Identifiers: ClinVar variation 2419176 (VCV002419176.5), dbSNP rs748240859, ClinGen allele CA9758397.